The following is an entry in ClinVar:

NM_013275.6(ANKRD11):c.2518C>T (p.Arg840Trp)

Gene: ANKRD11 (ankyrin repeat domain 11; minus strand). Cytogenetic location: 16q24.3.
Variant type: single nucleotide variant.
Coding change: c.2518C>T on transcript NM_013275.6 (MANE Select); coding-DNA position 2518, C replaced by T.
Protein change: p.Arg840Trp; replaces arginine 840 with tryptophan.
Molecular consequence: missense variant.
Genome position (GRCh38, 1-based): chr16:89,284,024, G>A on the plus strand (C>T on the coding strand, the complement: ANKRD11 is on the minus strand). VCF-style: chr16-89284024-G-A. GRCh37 (hg19) VCF-style: chr16-89350432-G-A.
Other names: c.2518C>T, p.Arg840Trp (NM_001256182.2, NM_001256183.2); short protein forms R840W.
Identifiers: ClinVar variation 589714 (VCV000589714.8), dbSNP rs761259443, ClinGen allele CA8242564.
Genomic context (GRCh38, chr16:89,284,024, plus strand): 5'-AGTCCCAGCTGTCCTCCCCTTTGAAATCAAAGGATGAATCGGACAAGTCAGAAAACCACC[G>A]ATCTCGCTGATCGTCAGAAAGGCTAAATTTGGTGTCTTCATTCTCCAGAAACTGATTTTT-3'
Protein context (NP_037407.4, residues 830-850): KFSLSDDQRD[Arg840Trp]WFSDLSDSSF

ClinVar aggregate classification (germline): Uncertain significance. Review status: criteria provided, multiple submitters, no conflicts (2 of 4 stars). 2 submissions from 2 submitters: Uncertain significance (2). Last evaluated 2025-02-17.

Conditions:
Inborn genetic diseases. Identifiers: MedGen C0950123, MeSH D030342.
KBG syndrome (KBGS). Also called: ANKRD11-Related KBG Syndrome. Identifiers: Orphanet 2332, MedGen C0220687, MONDO:0007846, OMIM 148050.

Allele frequency attached by ClinVar (database versions not stated): ExAC 0.00002; gnomAD exomes 0.00002.
gnomAD v4.1: 18 of 1,614,022 alleles (0.0011%); highest among the groups gnomAD compares: South Asian, 0.0044%; no homozygotes.

Submissions (2):

Labcorp Genetics (formerly Invitae), Labcorp
Classification: Uncertain significance for KBG syndrome. Last evaluated: 2025-02-17. Review status: criteria provided, single submitter. Criteria: Invitae Variant Classification Sherloc (09022015). Collection method: clinical testing. Allele origin: germline.
Comment: This sequence change replaces arginine, which is basic and polar, with tryptophan, which is neutral and slightly polar, at codon 840 of the ANKRD11 protein (p.Arg840Trp). This variant is present in population databases (rs761259443, gnomAD 0.006%). This variant has not been reported in the literature in individuals affected with ANKRD11-related conditions. ClinVar contains an entry for this variant (Variation ID: 589714). Invitae Evidence Modeling of protein sequence and biophysical properties (such as structural, functional, and spatial information, amino acid conservation, physicochemical variation, residue mobility, and thermodynamic stability) indicates that this missense variant is not expected to disrupt ANKRD11 protein function with a negative predictive value of 95%. In summary, the available evidence is currently insufficient to determine the role of this variant in disease. Therefore, it has been classified as a Variant of Uncertain Significance.

Ambry Genetics
Classification: Uncertain significance for Inborn genetic diseases. Last evaluated: 2016-11-17. Review status: criteria provided, single submitter. Criteria: Ambry Variant Classification Scheme 2023. Collection method: clinical testing. Allele origin: germline.
Comment: The p.R840W variant (also known as c.2518C>T), located in coding exon 7 of the ANKRD11 gene, results from a C to T substitution at nucleotide position 2518. The arginine at codon 840 is replaced by tryptophan, an amino acid with dissimilar properties. This variant was not reported in population based cohorts in the following databases: Database of Single Nucleotide Polymorphisms (dbSNP), NHLBI Exome Sequencing Project (ESP), and 1000 Genomes Project. In the ESP, this variant was not observed in 6498 samples (12996 alleles) with coverage at this position. This amino acid position is highly conserved in available vertebrate species. In addition, this alteration is predicted to be tolerated by in silico analysis. Since supporting evidence is limited at this time, the clinical significance of this alteration remains unclear.